The following is an entry in ClinVar:

ClinVar aggregate classification (germline): Uncertain significance (1 of 4 stars; one submission).

Allele frequency attached by ClinVar (database versions not stated): TOPMed 0.00001.

Submission:

Labcorp Genetics (formerly Invitae), Labcorp
Classification: Uncertain significance. Last evaluated: 2022-08-09. Review status: criteria provided, single submitter. Criteria: Invitae Variant Classification Sherloc (09022015). Collection method: clinical testing. Allele origin: germline.
Comment: This sequence change replaces glutamic acid, which is acidic and polar, with lysine, which is basic and polar, at codon 2 of the CDT1 protein (p.Glu2Lys). This variant is not present in population databases (gnomAD no frequency). This variant has not been reported in the literature in individuals affected with CDT1-related conditions. ClinVar contains an entry for this variant (Variation ID: 1379796). Algorithms developed to predict the effect of missense changes on protein structure and function (SIFT, PolyPhen-2, Align-GVGD) all suggest that this variant is likely to be tolerated. In summary, the available evidence is currently insufficient to determine the role of this variant in disease. Therefore, it has been classified as a Variant of Uncertain Significance.

NM_030928.4(CDT1):c.4G>A (p.Glu2Lys)

Gene: CDT1 (chromatin licensing and DNA replication factor 1; plus strand). Cytogenetic location: 16q24.3.
Variant type: single nucleotide variant.
Coding change: c.4G>A on transcript NM_030928.4 (MANE Select); coding-DNA position 4, G replaced by A.
Protein change: p.Glu2Lys; replaces glutamic acid 2 with lysine.
Molecular consequence: missense variant.
Genome position (GRCh38, 1-based): chr16:88,803,835, G>A. VCF-style: chr16-88803835-G-A. GRCh37 (hg19) VCF-style: chr16-88870243-G-A.
Other names: short protein forms E2K.
Identifiers: ClinVar variation 1379796 (VCV001379796.6), dbSNP rs990267710, ClinGen allele CA286412888.